The following is an entry in ClinVar:

ClinVar aggregate classification (germline): Uncertain significance. Review status: criteria provided, multiple submitters, no conflicts (2 of 4 stars). 2 submissions from 2 submitters: Uncertain significance (2). Last evaluated 2023-04-03.

Conditions:
Cardiovascular phenotype. Identifiers: MedGen CN230736.

Allele frequency attached by ClinVar (database versions not stated): gnomAD exomes 0.00001.
gnomAD v4.1: 13 of 1,549,928 alleles (0.00084%); highest among the groups gnomAD compares: Non-Finnish European, 0.00096%; no homozygotes.

Submissions (2):

Ambry Genetics
Classification: Uncertain significance for Cardiovascular phenotype. Last evaluated: 2023-04-03. Review status: criteria provided, single submitter. Criteria: Ambry Variant Classification Scheme 2023. Collection method: clinical testing. Allele origin: germline.
Comment: The p.R699W variant (also known as c.2095C>T), located in coding exon 1 of the ZNF469 gene, results from a C to T substitution at nucleotide position 2095. The arginine at codon 699 is replaced by tryptophan, an amino acid with dissimilar properties. This amino acid position is conserved. In addition, this alteration is predicted to be tolerated by in silico analysis. Since supporting evidence is limited at this time, the clinical significance of this alteration remains unclear.

Labcorp Genetics (formerly Invitae), Labcorp
Classification: Uncertain significance. Last evaluated: 2022-05-20. Review status: criteria provided, single submitter. Criteria: Invitae Variant Classification Sherloc (09022015). Collection method: clinical testing. Allele origin: germline.
Comment: This sequence change replaces arginine, which is basic and polar, with tryptophan, which is neutral and slightly polar, at codon 699 of the ZNF469 protein (p.Arg699Trp). This variant is present in population databases (no rsID available, gnomAD 0.007%). This variant has not been reported in the literature in individuals affected with ZNF469-related conditions. Algorithms developed to predict the effect of missense changes on protein structure and function are either unavailable or do not agree on the potential impact of this missense change (SIFT: "Deleterious"; PolyPhen-2: "Possibly Damaging"; Align-GVGD: "Class C0"). In summary, the available evidence is currently insufficient to determine the role of this variant in disease. Therefore, it has been classified as a Variant of Uncertain Significance.

NM_001367624.2(ZNF469):c.2095C>T (p.Arg699Trp)

Gene: ZNF469 (zinc finger protein 469; plus strand). Cytogenetic location: 16q24.2.
Variant type: single nucleotide variant.
Coding change: c.2095C>T on transcript NM_001367624.2 (MANE Select); coding-DNA position 2095, C replaced by T.
Protein change: p.Arg699Trp; replaces arginine 699 with tryptophan.
Molecular consequence: missense variant.
Genome position (GRCh38, 1-based): chr16:88,429,565, C>T. VCF-style: chr16-88429565-C-T. GRCh37 (hg19) VCF-style: chr16-88495973-C-T.
Other names: NM_001127464.1:c.2095C>T; short protein forms R699W.
Identifiers: ClinVar variation 2158541 (VCV002158541.3), dbSNP rs1463781846, ClinGen allele CA397069791.